The following is an entry in ClinVar:

NM_004655.4(AXIN2):c.1808C>T (p.Ala603Val)

Gene: AXIN2 (axin 2; minus strand). Cytogenetic location: 17q24.1.
Variant type: single nucleotide variant.
Coding change: c.1808C>T on transcript NM_004655.4 (MANE Select); coding-DNA position 1808, C replaced by T.
Protein change: p.Ala603Val; replaces alanine 603 with valine.
Molecular consequence: missense variant. On other transcripts: intron variant (1).
Genome position (GRCh38, 1-based): chr17:65,536,968, G>A on the plus strand (C>T on the coding strand, the complement: AXIN2 is on the minus strand). VCF-style: chr17-65536968-G-A. GRCh37 (hg19) VCF-style: chr17-63533086-G-A.
Other names: c.1712+356C>T (NM_001363813.1); short protein forms A603V.
Identifiers: ClinVar variation 4712621 (VCV004712621.1).
Genomic context (GRCh38, chr17:65,536,968, plus strand): 5'-ATCCACTGCCAGACATCCTGCGACCTGTCTCCTTCCTCCCGGGGAAGCTGCAGGGCCCCA[G>A]CTCCGCCGGGGGCCCCTCCTTCCCTGGCGGGCAGGGCCAGGCCCGGCTCCGTGCCTTTCC-3'
Protein context (NP_004646.3, residues 593-613): PAREGGAPGG[Ala603Val]GALQLPREEG

ClinVar aggregate classification (germline): Uncertain significance (1 of 4 stars; one submission).

Conditions:
Oligodontia-cancer predisposition syndrome. Also called: TOOTH AGENESIS-COLORECTAL CANCER SYNDROME. Identifiers: Orphanet 300576, MedGen C1837750, MONDO:0012075, OMIM 608615. Disease mechanism: loss of function.

Submission:

Labcorp Genetics (formerly Invitae), Labcorp
Classification: Uncertain significance for Oligodontia-cancer predisposition syndrome. Last evaluated: 2025-02-09. Review status: criteria provided, single submitter. Criteria: Invitae Variant Classification Sherloc (09022015). Collection method: clinical testing. Allele origin: germline.
Comment: This sequence change replaces alanine, which is neutral and non-polar, with valine, which is neutral and non-polar, at codon 603 of the AXIN2 protein (p.Ala603Val). This variant is not present in population databases (gnomAD no frequency). This variant has not been reported in the literature in individuals affected with AXIN2-related conditions. An algorithm developed to predict the effect of missense changes on protein structure and function (PolyPhen-2) suggests that this variant is likely to be tolerated. In summary, the available evidence is currently insufficient to determine the role of this variant in disease. Therefore, it has been classified as a Variant of Uncertain Significance.